The following is an entry in ClinVar:

NR_023317.1(RNU7-1):n.54G>C

Genes: C12orf57 (chromosome 12 open reading frame 57; plus strand), RNU7-1 (RNA, U7 small nuclear 1; plus strand). Cytogenetic location: 12p13.31.
Variant type: single nucleotide variant.
Molecular consequence: non-coding transcript variant (on NR_023317.1). On other transcripts: intron variant (2).
Genome position: GRCh38 VCF-style: chr12-6943869-G-C. GRCh37 (hg19) VCF-style: chr12-7053032-G-C.
Other names: c.13+207G>C (NM_001301836.2); c.-16+207G>C (NM_001301834.1).
Identifiers: ClinVar variation 4847844 (VCV004847844.1).
Genomic context (GRCh38, chr12:6,943,869, plus strand): 5'-TACGCAGCAGTGTTACAGCTCTTTTAGAATTTGTCTAGTAGGCTTTCTGGCTTTTTACCG[G>C]AAAGCCCCTCTTATGATGTTTGTTGCCAATGATAGATTGTTTTCACTGTGCAAAAATTAT-3'

ClinVar aggregate classification (germline): Uncertain significance (1 of 4 stars; one submission).

gnomAD v4.1: 110 of 953,476 alleles (0.012%); highest among the groups gnomAD compares: African/African-American, 0.018%; no homozygotes.

Submission:

Women's Health and Genetics/Laboratory Corporation of America, LabCorp
Classification: Uncertain significance. Last evaluated: 2026-02-13. Review status: criteria provided, single submitter. Criteria: LabCorp Variant Classification Summary - May 2015. Collection method: clinical testing. Allele origin: germline.
Comment: Variant summary: RNU7-1 n.54G>C alters a nucleotide in the non-coding RNA. The variant allele was found at a frequency of 0.00012 in 953476 control chromosomes. This frequency is not significantly higher than estimated for disease-causing variants in RNU7-1, allowing no conclusion about variant significance. n.54G>C has been observed in an individual affected with Aicardi-Goutieres syndrome (Uggenti_2020). These data do not allow any conclusion about variant significance. To our knowledge, no experimental evidence demonstrating an impact on protein function has been reported. The following publication has been ascertained in the context of this evaluation (PMID: 33230297). No submitters have cited clinical-significance assessments for this variant to ClinVar. Based on the evidence outlined above, the variant was classified as uncertain significance.

Literature cited by the submitters: PubMed 33230297.